The following is an entry in ClinVar:

ClinVar aggregate classification (germline): Uncertain significance (1 of 4 stars; one submission).

Conditions:
Fraser syndrome 1 (FRASRS1). Also called: CRYPTOPHTHALMOS WITH OTHER MALFORMATIONS. Identifiers: Orphanet 2052, MedGen C4551480, MONDO:0054737, OMIM 219000.

Allele frequency attached by ClinVar (database versions not stated): ExAC 0.00003; gnomAD 0.00003; TOPMed 0.00003; gnomAD exomes 0.00004.
gnomAD v4.1: 61 of 1,613,752 alleles (0.0038%); highest among the groups gnomAD compares: Admixed American, 0.017%; no homozygotes.

Submission:

Breda Genetics srl
Classification: Uncertain significance for Fraser syndrome 1. Last evaluated: 2021-10-04. Review status: criteria provided, single submitter. Criteria: ACMG Guidelines, 2015. Collection method: clinical testing. Allele origin: germline. Inheritance: Autosomal recessive inheritance. Affected: yes. Observed: 1 variant allele, 1 heterozygote.
Comment: The variant c.4556G>A (p.Arg1519Gln) in the FRAS1 gene is reported with an estimated allele frequency of 0.0000241 in gnomAD exomes, with no homozygous individuals reported. The nucleotide position is moderately conserved across 35 mammalian species (GERP RS: 2.76). In silico analysis mostly indicates that the variant might be damaging. Based on ACMG variant interpretation guidelines, we classify this variant as uncertain.

NM_025074.7(FRAS1):c.4556G>A (p.Arg1519Gln)

Gene: FRAS1 (Fraser extracellular matrix complex subunit 1; plus strand). Cytogenetic location: 4q21.21.
Variant type: single nucleotide variant.
Coding change: c.4556G>A on transcript NM_025074.7 (MANE Select); coding-DNA position 4556, G replaced by A.
Protein change: p.Arg1519Gln; replaces arginine 1519 with glutamine.
Molecular consequence: missense variant.
Genome position (GRCh38, 1-based): chr4:78,421,878, G>A. VCF-style: chr4-78421878-G-A. GRCh37 (hg19) VCF-style: chr4-79343032-G-A.
Other names: c.4556G>A, p.Arg1519Gln (NM_001166133.2); short protein forms R1519Q.
Identifiers: ClinVar variation 1711869 (VCV001711869.1), dbSNP rs751175883, ClinGen allele CA2977246.